The following is an entry in ClinVar:

ClinVar aggregate classification (germline): Benign. Review status: criteria provided, multiple submitters, no conflicts (2 of 4 stars). 2 submissions from 2 submitters: Benign (2). Last evaluated 2018-01-13.

Conditions:
Glycogen storage disease type III (GSD3). Also called: FORBES DISEASE; Cori disease. Identifiers: Orphanet 366, MedGen C0017922, MONDO:0009291, OMIM 232400.

Allele frequency attached by ClinVar (database versions not stated): 1000 Genomes Project 30x 0.45956; 1000 Genomes Project 0.46825; gnomAD 0.47367 and 0.47451; TOPMed 0.47582.

Submissions (2):

Illumina Laboratory Services, Illumina
Classification: Benign for Glycogen storage disease type III. Last evaluated: 2018-01-13. Review status: criteria provided, single submitter. Criteria: ICSL Variant Classification Criteria 13 December 2019. Collection method: clinical testing. Allele origin: germline.
Comment: This variant was observed in the ICSL laboratory as part of a predisposition screen in an ostensibly healthy population. It had not been previously curated by ICSL or reported in the Human Gene Mutation Database (HGMD: prior to June 1st, 2018), and was therefore a candidate for classification through an automated scoring system. Utilizing variant allele frequency, disease prevalence and penetrance estimates, and inheritance mode, an automated score was calculated to assess if this variant is too frequent to cause the disease. Based on the score and internal cut-off values, a variant classified as benign is not then subjected to further curation. The score for this variant resulted in a classification of benign for this disease.

Breakthrough Genomics
Classification: Benign. Review status: criteria provided, single submitter. Criteria: ACMG Guidelines, 2015. Collection method: not provided. Allele origin: germline. Inheritance: Autosomal recessive inheritance. Affected: yes.

NM_000642.3(AGL):c.*1028C>T

Gene: AGL (amylo-alpha-1,6-glucosidase and 4-alpha-glucanotransferase; plus strand). Cytogenetic location: 1p21.2.
Variant type: single nucleotide variant.
Coding change: c.*1028C>T on transcript NM_000642.3 (MANE Select); 1028 bases downstream of the stop codon, C replaced by T.
Molecular consequence: 3 prime UTR variant.
Genome position (GRCh38, 1-based): chr1:99,922,679, C>T. VCF-style: chr1-99922679-C-T. GRCh37 (hg19) VCF-style: chr1-100388235-C-T.
Other names: c.*1028C>T (NM_000028.3, NM_000643.3, NM_000644.3 and 7 more transcripts).
Identifiers: ClinVar variation 291363 (VCV000291363.6), dbSNP rs3766601, ClinGen allele CA10611790.